The following is an entry in ClinVar:

NM_001005388.3(NFASC):c.2043C>T (p.Tyr681=)

Gene: NFASC (neurofascin; plus strand). Cytogenetic location: 1q32.1.
Variant type: single nucleotide variant.
Coding change: c.2043C>T on transcript NM_001005388.3 (MANE Select); coding-DNA position 2043, C replaced by T.
Protein change: p.Tyr681=; no amino-acid change (tyrosine 681 retained).
Molecular consequence: synonymous variant.
Genome position (GRCh38, 1-based): chr1:204,979,426, C>T. VCF-style: chr1-204979426-C-T. GRCh37 (hg19) VCF-style: chr1-204948554-C-T.
Other names: c.2076C>T, p.Tyr692= (NM_001160331.2); c.2031C>T, p.Tyr677= (NM_001160332.2, NM_001365986.1, NM_015090.4); c.2043C>T, p.Tyr681= (NM_001378329.1).
Identifiers: ClinVar variation 2639839 (VCV002639839.24), dbSNP rs779749270, ClinGen allele CA1350155.

ClinVar aggregate classification (germline): Likely benign (1 of 4 stars; one submission).

Allele frequency attached by ClinVar (database versions not stated): gnomAD exomes 0.00001; ExAC 0.00002; gnomAD 0.00003; TOPMed 0.00003.
gnomAD v4.1: 25 of 1,613,992 alleles (0.0015%); highest among the groups gnomAD compares: Non-Finnish European, 0.0021%; no homozygotes.

Submission:

CeGaT Center for Human Genetics Tuebingen
Classification: Likely benign. Last evaluated: 2022-10-01. Review status: criteria provided, single submitter. Criteria: CeGaT Center For Human Genetics Tuebingen Variant Classification Criteria Version 2. Collection method: clinical testing. Allele origin: germline. Affected: yes. Observed: 1 variant allele.
Comment: NFASC: BP4, BP7